The following is an entry in ClinVar:

ClinVar aggregate classification (germline): Benign (0 of 4 stars; one submission).

Conditions:
PPFIA1-related disorder. Also called: PPFIA1-related condition.

Allele frequency attached by ClinVar (database versions not stated): gnomAD exomes 0.00048; gnomAD 0.00058; TOPMed 0.00085; ExAC 0.00158; 1000 Genomes Project 30x 0.00250; 1000 Genomes Project 0.00280.
gnomAD v4.1: 777 of 1,605,738 alleles (0.048%); highest among the groups gnomAD compares: East Asian, 1.6%; 7 homozygotes.

Submission:

PreventionGenetics, part of Exact Sciences
Classification: Benign for PPFIA1-related condition. Last evaluated: 2019-03-29. Review status: no assertion criteria provided. Collection method: clinical testing. Allele origin: germline.
Comment: This variant is classified as benign based on ACMG/AMP sequence variant interpretation guidelines (Richards et al. 2015 PMID: 25741868, with internal and published modifications).

NM_003626.5(PPFIA1):c.3550+17A>G

Genes: CTTN-DT (CTTN divergent transcript; minus strand), PPFIA1 (PTPRF interacting protein alpha 1; plus strand). Cytogenetic location: 11q13.3.
Variant type: single nucleotide variant.
Coding change: c.3550+17A>G on transcript NM_003626.5 (MANE Select); 17 bases into the intron after coding-DNA position 3550, A replaced by G.
Molecular consequence: intron variant. On other transcripts: 3 prime UTR variant (1).
Genome position (GRCh38, 1-based): chr11:70,378,212, A>G. VCF-style: chr11-70378212-A-G. GRCh37 (hg19) VCF-style: chr11-70224318-A-G.
Other names: c.*9A>G (NM_177423.3); c.3745+17A>G (NM_001378006.1).
Identifiers: ClinVar variation 3050455 (VCV003050455.2), dbSNP rs184323024, ClinGen allele CA6159716.